The following is an entry in ClinVar:

ClinVar aggregate classification (germline): Benign. Review status: criteria provided, multiple submitters, no conflicts (2 of 4 stars). 3 submissions from 3 submitters: Benign (2). 1 of the submissions does not count toward it. Last evaluated 2021-09-05.

Conditions:
NCAPH-related disorder. Also called: NCAPH-related condition.
Microcephaly 23, primary, autosomal recessive. Identifiers: MedGen C4693843, MONDO:0054806, OMIM 617985.

Allele frequency attached by ClinVar (database versions not stated): gnomAD 0.20690 and 0.22371; TOPMed 0.21308; ESP Exome Variant Server 0.21690; 1000 Genomes Project 30x 0.27436; 1000 Genomes Project 0.27915; gnomAD exomes 0.29216 and 0.29877; ExAC 0.30316.
gnomAD v4.1: 462,083 of 1,613,720 alleles (29%); highest among the groups gnomAD compares: South Asian, 64%; 75,473 homozygotes.

Submissions (3):

Genome-Nilou Lab
Classification: Benign for Microcephaly 23, primary, autosomal recessive. Last evaluated: 2021-09-05. Review status: criteria provided, single submitter. Criteria: ACMG Guidelines, 2015. Collection method: clinical testing. Allele origin: germline. Affected: no.

Breakthrough Genomics
Classification: Benign. Review status: criteria provided, single submitter. Criteria: ACMG Guidelines, 2015. Collection method: not provided. Allele origin: germline. Inheritance: Autosomal recessive inheritance. Affected: yes.

PreventionGenetics, part of Exact Sciences
Classification: Benign for NCAPH-related condition. Last evaluated: 2019-10-17. Review status: no assertion criteria provided. Collection method: clinical testing. Allele origin: germline. Not counted in ClinVar's aggregate classification.
Comment: This variant is classified as benign based on ACMG/AMP sequence variant interpretation guidelines (Richards et al. 2015 PMID: 25741868, with internal and published modifications).

NM_015341.5(NCAPH):c.1131T>C (p.Asp377=)

Gene: NCAPH (non-SMC condensin I complex subunit H; plus strand). Cytogenetic location: 2q11.2.
Variant type: single nucleotide variant.
Coding change: c.1131T>C on transcript NM_015341.5 (MANE Select); coding-DNA position 1131, T replaced by C.
Protein change: p.Asp377=; no amino-acid change (aspartic acid 377 retained).
Molecular consequence: synonymous variant.
Genome position (GRCh38, 1-based): chr2:96,354,311, T>C. VCF-style: chr2-96354311-T-C. GRCh37 (hg19) VCF-style: chr2-97020049-T-C.
Other names: c.1098T>C, p.Asp366= (NM_001281710.2); c.1059T>C, p.Asp353= (NM_001281711.2); c.723T>C, p.Asp241= (NM_001281712.2); c.1131T>C (NM_015341.4).
Identifiers: ClinVar variation 1321857 (VCV001321857.5), dbSNP rs3731935, ClinGen allele CA1780029.